The following is an entry in ClinVar:

NM_002641.4(PIGA):c.1319T>C (p.Ile440Thr)

Gene: PIGA (phosphatidylinositol glycan anchor biosynthesis class A; minus strand). Cytogenetic location: Xp22.2.
Variant type: single nucleotide variant.
Coding change: c.1319T>C on transcript NM_002641.4 (MANE Select); coding-DNA position 1319, T replaced by C.
Protein change: p.Ile440Thr; replaces isoleucine 440 with threonine.
Molecular consequence: missense variant. On other transcripts: non-coding transcript variant (2).
Genome position (GRCh38, 1-based): chrX:15,321,642, A>G on the plus strand (T>C on the coding strand, the complement: PIGA is on the minus strand). VCF-style: chrX-15321642-A-G. GRCh37 (hg19) VCF-style: chrX-15339764-A-G.
Other names: c.617T>C, p.Ile206Thr (NM_020473.3); short protein forms I440T, I206T.
Identifiers: ClinVar variation 2165092 (VCV002165092.4), dbSNP rs749080220, ClinGen allele CA10354057.

ClinVar aggregate classification (germline): Uncertain significance (1 of 4 stars; one submission).

Conditions:
Multiple congenital anomalies-hypotonia-seizures syndrome 2 (MCAHS2). Also called: EPILEPTIC ENCEPHALOPATHY, EARLY INFANTILE, 20; GLYCOSYLPHOSPHATIDYLINOSITOL BIOSYNTHESIS DEFECT 4. Identifiers: Orphanet 300496, MedGen C3275508, MONDO:0010466, OMIM 300868.

Allele frequency attached by ClinVar (database versions not stated): ExAC 0.00001; gnomAD 0.00003; TOPMed 0.00003; gnomAD exomes 0.00004.
gnomAD v4.1: 52 of 1,209,607 alleles (0.0043%); highest among the groups gnomAD compares: Non-Finnish European, 0.0055%; no homozygotes.

Submission:

Labcorp Genetics (formerly Invitae), Labcorp
Classification: Uncertain significance for Multiple congenital anomalies-hypotonia-seizures syndrome 2. Last evaluated: 2022-08-24. Review status: criteria provided, single submitter. Criteria: Invitae Variant Classification Sherloc (09022015). Collection method: clinical testing. Allele origin: germline.
Comment: This sequence change replaces isoleucine, which is neutral and non-polar, with threonine, which is neutral and polar, at codon 440 of the PIGA protein (p.Ile440Thr). This variant is present in population databases (rs749080220, gnomAD 0.001%). This variant has not been reported in the literature in individuals affected with PIGA-related conditions. Algorithms developed to predict the effect of missense changes on protein structure and function output the following: SIFT: "Tolerated"; PolyPhen-2: "Benign"; Align-GVGD: "Class C0". The threonine amino acid residue is found in multiple mammalian species, which suggests that this missense change does not adversely affect protein function. In summary, the available evidence is currently insufficient to determine the role of this variant in disease. Therefore, it has been classified as a Variant of Uncertain Significance.